The following is an entry in ClinVar:

NM_001009944.3(PKD1):c.2985+8G>T

Gene: PKD1 (polycystin 1, transient receptor potential channel interacting; minus strand). Cytogenetic location: 16p13.3.
Variant type: single nucleotide variant.
Coding change: c.2985+8G>T on transcript NM_001009944.3 (MANE Select); 8 bases into the intron after coding-DNA position 2985, G replaced by T.
Molecular consequence: intron variant.
Genome position (GRCh38, 1-based): chr16:2,113,153, C>A on the plus strand (G>T on the coding strand, the complement: PKD1 is on the minus strand). VCF-style: chr16-2113153-C-A. GRCh37 (hg19) VCF-style: chr16-2163154-C-A.
Other names: c.2985+8G>T (NM_000296.4).
Identifiers: ClinVar variation 4822005 (VCV004822005.4).

ClinVar aggregate classification (germline): Uncertain significance (1 of 4 stars; one submission).

gnomAD v4.1: 4 of 803,328 alleles (0.0005%); highest among the groups gnomAD compares: Non-Finnish European, 0.00086%; no homozygotes.

Submission:

CeGaT Center for Human Genetics Tuebingen
Classification: Uncertain significance. Last evaluated: 2026-03-01. Review status: criteria provided, single submitter. Criteria: CeGaT Center For Human Genetics Tuebingen Variant Classification Criteria Version 2. Collection method: clinical testing. Allele origin: germline. Affected: yes. Observed: 1 variant allele.
Comment: PKD1: PM2, PS4:Supporting, BP4